The following is an entry in ClinVar:

ClinVar aggregate classification (germline): Uncertain significance. Review status: criteria provided, multiple submitters, no conflicts (2 of 4 stars). 2 submissions from 2 submitters: Uncertain significance (2). Last evaluated 2024-08-31.

Conditions:
Hereditary cancer-predisposing syndrome. Also called: Hereditary Cancer Syndrome; Hereditary neoplastic syndrome; Neoplastic Syndromes, Hereditary; Tumor predisposition. Identifiers: Orphanet 140162, MedGen C0027672, MeSH D009386, MONDO:0015356.
Tuberous sclerosis syndrome (TSC). Also called: Tuberous Sclerosis Complex; Tuberous sclerosis. Identifiers: Orphanet 805, MedGen C0041341, MONDO:0001734.

Submissions (2):

Ambry Genetics
Classification: Uncertain significance for Hereditary cancer-predisposing syndrome. Last evaluated: 2024-08-31. Review status: criteria provided, single submitter. Criteria: Ambry Variant Classification Scheme 2023. Collection method: clinical testing. Allele origin: germline.
Comment: The p.T1020S variant (also known as c.3059C>G), located in coding exon 21 of the TSC1 gene, results from a C to G substitution at nucleotide position 3059. The threonine at codon 1020 is replaced by serine, an amino acid with similar properties. This amino acid position is conserved. In addition, this alteration is predicted to be tolerated by in silico analysis. Based on the available evidence, the clinical significance of this variant remains unclear.

All of Us Research Program, National Institutes of Health
Classification: Uncertain significance for Tuberous sclerosis syndrome. Last evaluated: 2024-05-14. Review status: criteria provided, single submitter. Criteria: ACMG Guidelines, 2015. Collection method: clinical testing. Allele origin: germline. Inheritance: Autosomal dominant inheritance. Observed: 1 variant allele, 1 heterozygote.
Comment: This missense variant replaces threonine with serine at codon 1020 of the TSC1 protein. Computational prediction suggests that this variant may not impact protein structure and function. To our knowledge, functional studies have not been reported for this variant. This variant has not been reported in individuals affected with TSC1-related disorders in the literature. This variant has not been identified in the general population by the Genome Aggregation Database (gnomAD). The available evidence is insufficient to determine the role of this variant in disease conclusively. Therefore, this variant is classified as a Variant of Uncertain Significance.

This study involves interpretation of variants in research participants for the purpose of population health screening. Participant phenotype was not available at the time of variant classification. Additional details can be found in publication PMID: 35346344, PMCID: PMC8962531

NM_000368.5(TSC1):c.3059C>G (p.Thr1020Ser)

Gene: TSC1 (TSC complex subunit 1; minus strand). Cytogenetic location: 9q34.13.
Variant type: single nucleotide variant.
Coding change: c.3059C>G on transcript NM_000368.5 (MANE Select); coding-DNA position 3059, C replaced by G.
Protein change: p.Thr1020Ser; replaces threonine 1020 with serine.
Molecular consequence: missense variant. On other transcripts: non-coding transcript variant (5).
Genome position (GRCh38, 1-based): chr9:132,896,671, G>C on the plus strand (C>G on the coding strand, the complement: TSC1 is on the minus strand). VCF-style: chr9-132896671-G-C. GRCh37 (hg19) VCF-style: chr9-135772058-G-C.
Other names: c.3056C>G, p.Thr1019Ser (NM_001162426.2, NM_001406597.1, NM_001406598.1 and 2 more transcripts); c.2906C>G, p.Thr969Ser (NM_001162427.2, NM_001406610.1); c.2696C>G, p.Thr899Ser (NM_001362177.2, NM_001406614.1, NM_001406615.1 and 4 more transcripts); c.3059C>G, p.Thr1020Ser (NM_001406592.1, NM_001406593.1, NM_001406594.1 and 2 more transcripts); c.3017C>G, p.Thr1006Ser (NM_001406605.1, NM_001406606.1, NM_001406607.1); c.3014C>G, p.Thr1005Ser (NM_001406608.1, NM_001406609.1); c.2903C>G, p.Thr968Ser (NM_001406611.1, NM_001406612.1); c.2861C>G, p.Thr954Ser (NM_001406613.1); and 8 more; short protein forms T1005S, T1006S, T1014S, T1015S, T1019S, T1020S, T669S, T702S.
Identifiers: ClinVar variation 3386139 (VCV003386139.2).